The following is an entry in ClinVar:

ClinVar aggregate classification (germline): Uncertain significance (1 of 4 stars; one submission).

Conditions:
Inborn genetic diseases. Identifiers: MedGen C0950123, MeSH D030342.

Submission:

Ambry Genetics
Classification: Uncertain significance for Inborn genetic diseases. Last evaluated: 2025-03-04. Review status: criteria provided, single submitter. Criteria: Ambry Variant Classification Scheme 2023. Collection method: clinical testing. Allele origin: germline.
Comment: The p.L428I variant (also known as c.1282T>A), located in coding exon 1 of the SAMD9 gene, results from a T to A substitution at nucleotide position 1282. The leucine at codon 428 is replaced by isoleucine, an amino acid with highly similar properties. This amino acid position is conserved. In addition, this alteration is predicted to be tolerated by in silico analysis. Based on the available evidence, the clinical significance of this variant remains unclear.

NM_017654.4(SAMD9):c.1282T>A (p.Leu428Ile)

Gene: SAMD9 (sterile alpha motif domain containing 9; minus strand). Cytogenetic location: 7q21.2.
Variant type: single nucleotide variant.
Coding change: c.1282T>A on transcript NM_017654.4 (MANE Select); coding-DNA position 1282, T replaced by A.
Protein change: p.Leu428Ile; replaces leucine 428 with isoleucine.
Molecular consequence: missense variant.
Genome position (GRCh38, 1-based): chr7:93,104,816, A>T on the plus strand (T>A on the coding strand, the complement: SAMD9 is on the minus strand). VCF-style: chr7-93104816-A-T. GRCh37 (hg19) VCF-style: chr7-92734129-A-T.
Other names: c.1282T>A, p.Leu428Ile (NM_001193307.2); short protein forms L428I.
Identifiers: ClinVar variation 3792149 (VCV003792149.1).
Genomic context (GRCh38, chr7:93,104,816, plus strand): 5'-TGTTAGACTCAGGATCAAACTCCAATACAGCAAACCATTTAATTTCCTTCAGGAAATCTA[A>T]GTGTTTTGTTTGATCTGGGTGGCATTTATTTGTTACAAGAATGTACTGTTCATAGTATGA-3'
Protein context (NP_060124.2, residues 418-438): NKCHPDQTKH[Leu428Ile]DFLKEIKWFA